The following is an entry in ClinVar:

ClinVar aggregate classification (germline): Pathogenic (3 of 4 stars; one submission).

Conditions:
Creatine transporter deficiency (CCDS1). Also called: Mental retardation , X-linked with seizures, short stature and midface hypoplasia; Mental retardation , X-linked, with creatine transport deficiency; X-linked creatine transporter deficiency; X-linked creatine deficiency syndrome; SLC6A8-Related Creatine Transporter Deficiency; CREATINE TRANSPORTER DEFECT. Identifiers: Orphanet 52503, MedGen C1845862, MONDO:0010305, OMIM 300352.

Submission:

ClinGen Cerebral Creatine Deficiency Syndromes Variant Curation Expert Panel, ClinGen
Classification: Pathogenic for Creatine transporter deficiency. Last evaluated: 2023-03-09. Review status: reviewed by expert panel. Criteria: ClinGen_CCDS_ACMG_Specifications_SLC6A8_v1.1. Collection method: curation. Allele origin: germline. Inheritance: X-linked inheritance.
Comment: The NM_005629.4:c.859del (p.Asp287MetfsTer21) variant in SLC6A8 is a frameshift variant predicted to cause a premature stop codon, leading to nonsense mediated decay in a gene in which loss-of-function is an established disease mechanism (PVS1). This variant is absent in gnomAD v2.1.1. (PM2_Supporting). In summary, this variant meets the criteria to be classified as pathogenic for creatine transporter deficiency. SLC6A8-specific ACMG/AMP criteria met, as specified by the ClinGen CCDS VCEP (Specifications Version 1.1.0): PVS1, PP4_Strong, PM2_Supporting. (Classification approved by the ClinGen CCDS VCEP on March 9, 2023)

NM_005629.4(SLC6A8):c.859del (p.Asp287fs)

Gene: SLC6A8 (solute carrier family 6 member 8; plus strand). Cytogenetic location: Xq28.
Variant type: Deletion.
Coding change: c.859del on transcript NM_005629.4 (MANE Select); coding-DNA position 859, one base deleted (G; older notation c.859delG).
Protein change: p.Asp287fs; shifts the reading frame from aspartic acid 287.
Molecular consequence: frameshift variant.
Genome position (GRCh38, 1-based): chrX:153,693,122, G deleted; the last of 2 consecutive G bases (chrX:153,693,121-153,693,122); deleting either gives the same sequence. VCF-style (leftmost placement, unchanged base first): chrX-153693120-TG-T. GRCh37 (hg19) VCF-style: chrX-152958575-TG-T.
Other names: NM_001142805.2:c.859del; c.859del, p.Asp287fs (NM_001142805.2); c.514del, p.Asp172fs (NM_001142806.1); short protein forms D172fs, D287fs.
Identifiers: ClinVar variation 2446448 (VCV002446448.1), dbSNP rs2522162071, ClinGen allele CA2573334479.